The following is an entry in ClinVar:

ClinVar aggregate classification (germline): Likely pathogenic (1 of 4 stars; one submission).

Conditions:
Pitt-Hopkins syndrome (PTHS). Also called: MENTAL RETARDATION, SYNDROMAL, WITH INTERMITTENT HYPERVENTILATION; ENCEPHALOPATHY, SEVERE EPILEPTIC, WITH AUTONOMIC DYSFUNCTION. Identifiers: Orphanet 2896, MedGen C1970431, MONDO:0012589, OMIM 610954.
Corneal dystrophy, Fuchs endothelial, 3 (FECD3). Also called: FCD2 LOCUS. Identifiers: Orphanet 98974, MedGen C2750451, MONDO:0013203, OMIM 613267.

Submission:

Juno Genomics, Hangzhou Juno Genomics, Inc
Classification: Likely pathogenic for Corneal dystrophy, Fuchs endothelial, 3; Pitt-Hopkins syndrome. Review status: criteria provided, single submitter. Criteria: ACMG Guidelines, 2015. Collection method: clinical testing. Allele origin: germline. Affected: yes.
Comment: Absent from controls (or at extremely low frequency if recessive) in Genome Aggregation Database, Exome Sequencing Project, 1000 Genomes Project, or Exome Aggregation Consortium.;Null variant in a gene where loss of function (LOF) is a known mechanism of disease.

NM_001083962.2(TCF4):c.1417_1418delinsT (p.Pro473fs)

Gene: TCF4 (transcription factor 4; minus strand). Cytogenetic location: 18q21.2.
Variant type: Indel.
Coding change: c.1417_1418delinsT on transcript NM_001083962.2 (MANE Select); coding-DNA positions 1417 to 1418, CC replaced by T.
Protein change: p.Pro473fs; shifts the reading frame from proline 473.
Molecular consequence: frameshift variant.
Genome position (GRCh38, 1-based): chr18:55,234,616-55,234,617, GG replaced by A on the plus strand (CC replaced by T on the coding strand, the reverse complement: TCF4 is on the minus strand). VCF-style: chr18-55234616-GG-A. GRCh37 (hg19) VCF-style: chr18-52901847-GG-A.
Other names: c.1204_1205delinsT, p.Pro402fs (NM_001306208.1, NM_001243232.1); c.1414_1415delinsT, p.Pro472fs (NM_001330604.3, NM_001369569.1, NM_001369570.1 and 2 more transcripts); c.1027_1028delinsT, p.Pro343fs (NM_001330605.3, NM_001348212.2, NM_001348213.2 and 1 more transcripts); c.1291_1292delinsT, p.Pro431fs (NM_001348211.2, NM_001243231.2); c.934_935delinsT, p.Pro312fs (NM_001348214.2); c.769_770delinsT, p.Pro257fs (NM_001348215.2); c.937_938delinsT, p.Pro313fs (NM_001348216.2, NM_001243234.2, NM_001243235.2 and 1 more transcripts); c.1345_1346delinsT, p.Pro449fs (NM_001348217.1, NM_001348218.2, NM_001348219.2 and 5 more transcripts); and 6 more; short protein forms P257fs, P312fs, P313fs, P343fs, P402fs, P431fs, P448fs, P449fs.
Identifiers: ClinVar variation 3382238 (VCV003382238.2).
Genomic context (GRCh38, chr18:55,234,616, plus strand): 5'-GGGTCCTGGGGTGGGTTCAGGTCAGGGGAAGTCGCAGACTGGACAGGAAGCTGTGGAACC[GG>A]AACCTGGTTTGGCAGAAGAGAATGGCTGCCTCTCAGGGCCACGCCATCTTCACGATGGGT-3'